The following is an entry in ClinVar:

NM_014795.4(ZEB2):c.-64G>A

Gene: ZEB2 (zinc finger E-box binding homeobox 2; minus strand). Cytogenetic location: 2q22.3.
Variant type: single nucleotide variant.
Coding change: c.-64G>A on transcript NM_014795.4 (MANE Select); 64 bases upstream of the start codon, G replaced by A.
Molecular consequence: 5 prime UTR variant. On other transcripts: non-coding transcript variant (1).
Genome position (GRCh38, 1-based): chr2:144,517,414, C>T on the plus strand (G>A on the coding strand, the complement: ZEB2 is on the minus strand). VCF-style: chr2-144517414-C-T. GRCh37 (hg19) VCF-style: chr2-145274981-C-T.
Other names: c.-64G>A (NM_001171653.2).
Identifiers: ClinVar variation 386736 (VCV000386736.1), dbSNP rs1057522589, ClinGen allele CA16603819.

ClinVar aggregate classification (germline): Likely benign (1 of 4 stars; one submission).

Allele frequency attached by ClinVar (database versions not stated): gnomAD exomes below 0.00001.

Submission:

GeneDx
Classification: Likely benign. Last evaluated: 2016-06-09. Review status: criteria provided, single submitter. Criteria: GeneDx Variant Classification (06012015). Collection method: clinical testing. Allele origin: germline. Affected: yes.
Comment: This variant is considered likely benign or benign based on one or more of the following criteria: it is a conservative change, it occurs at a poorly conserved position in the protein, it is predicted to be benign by multiple in silico algorithms, and/or has population frequency not consistent with disease.